The following is an entry in ClinVar:

NM_001042475.3(CEP85L):c.913C>T (p.Arg305Trp)

Gene: CEP85L (centrosomal protein 85 like; minus strand). Cytogenetic location: 6q22.31.
Variant type: single nucleotide variant.
Coding change: c.913C>T on transcript NM_001042475.3 (MANE Select); coding-DNA position 913, C replaced by T.
Protein change: p.Arg305Trp; replaces arginine 305 with tryptophan.
Molecular consequence: missense variant.
Genome position (GRCh38, 1-based): chr6:118,565,636, G>A on the plus strand (C>T on the coding strand, the complement: CEP85L is on the minus strand). VCF-style: chr6-118565636-G-A. GRCh37 (hg19) VCF-style: chr6-118886799-G-A.
Other names: c.922C>T, p.Arg308Trp (NM_001178035.2); c.913C>T, p.Arg305Trp (NM_206921.3); short protein forms R305W, R308W.
Identifiers: ClinVar variation 3367051 (VCV003367051.1).

ClinVar aggregate classification (germline): Uncertain significance (1 of 4 stars; one submission).

Conditions:
Lissencephaly 10. Identifiers: MedGen C5394354, MONDO:0030031, OMIM 618873.

gnomAD v4.1: 15 of 1,614,062 alleles (0.00093%); highest among the groups gnomAD compares: Admixed American, 0.01%; no homozygotes.

Submission:

Neuberg Centre For Genomic Medicine, NCGM
Classification: Uncertain significance for Lissencephaly 10. Last evaluated: 2023-05-20. Review status: criteria provided, single submitter. Criteria: ACMG Guidelines, 2015. Collection method: clinical testing. Allele origin: germline. Inheritance: Autosomal dominant inheritance. Affected: yes.
Comment: The missense variant c.913C>T (p.Arg305Trp) in the CEP85L gene has not been reported previously as a pathogenic variant nor as a benign variant, to our knowledge. This variant is reported with the allele frequency (0.0007%) in the gnomAD Exomes. The amino acid Arginine at position 305 is changed to a Tryptophan changing protein sequence and it might alter its composition and physico-chemical properties. Multiple lines of computational evidence (Polyphen - Damaging, SIFT - Damaging and MutationTaster - Disease causing) predict a damaging effect on protein structure and function for this variant. The amino acid change p.Arg305Trp in CEP85L is predicted as conserved by GERP++ and PhyloP across 100 vertebrates. For these reasons, this variant has been classified as Uncertain Significance.